The following is an entry in ClinVar:

ClinVar aggregate classification (germline): Uncertain significance. Review status: criteria provided, multiple submitters, no conflicts (2 of 4 stars). 3 submissions from 3 submitters: Uncertain significance (2). 1 of the submissions does not count toward it. Last evaluated 2023-01-23.

Conditions:
Familial Mediterranean fever (FMF). Also called: POLYSEROSITIS, FAMILIAL PAROXYSMAL; POLYSEROSITIS, RECURRENT; Periodic peritonitis; Benign paroxysmal peritonitis. Identifiers: Orphanet 342, MedGen C0031069, MONDO:0018088, OMIM 249100. Disease mechanism: gain of function.

Allele frequency attached by ClinVar (database versions not stated): TOPMed below 0.00001; gnomAD 0.00001; gnomAD exomes 0.00001.
gnomAD v4.1: 11 of 1,560,394 alleles (0.0007%); highest among the groups gnomAD compares: East Asian, 0.0047%; no homozygotes.

Submissions (3):

Mayo Clinic Laboratories, Mayo Clinic
Classification: Uncertain significance. Last evaluated: 2023-01-23. Review status: criteria provided, single submitter. Criteria: ACMG Guidelines, 2015. Collection method: clinical testing. Allele origin: germline. Observed: 1 variant allele.
Comment: BP4

Labcorp Genetics (formerly Invitae), Labcorp
Classification: Uncertain significance for Familial Mediterranean fever. Last evaluated: 2021-08-20. Review status: criteria provided, single submitter. Criteria: Invitae Variant Classification Sherloc (09022015). Collection method: clinical testing. Allele origin: germline.
Comment: This sequence change replaces glycine with arginine at codon 185 of the MEFV protein (p.Gly185Arg). The glycine residue is weakly conserved and there is a moderate physicochemical difference between glycine and arginine. The frequency data for this variant in the population databases is considered unreliable, as metrics indicate insufficient coverage at this position in the ExAC database. This variant has not been reported in the literature in individuals affected with MEFV-related conditions. Algorithms developed to predict the effect of missense changes on protein structure and function output the following: SIFT: "Tolerated"; PolyPhen-2: "Benign"; Align-GVGD: "Class C0". The arginine amino acid residue is found in multiple mammalian species, which suggests that this missense change does not adversely affect protein function. Algorithms developed to predict the effect of sequence changes on RNA splicing suggest that this variant may create or strengthen a splice site. In summary, the available evidence is currently insufficient to determine the role of this variant in disease. Therefore, it has been classified as a Variant of Uncertain Significance.

Natera, Inc.
Classification: Uncertain significance for Familial Mediterranean fever. Last evaluated: 2020-01-25. Review status: no assertion criteria provided. Collection method: clinical testing. Allele origin: germline. Not counted in ClinVar's aggregate classification.

NM_000243.3(MEFV):c.553G>A (p.Gly185Arg)

Gene: MEFV (MEFV innate immunity regulator, pyrin; minus strand). Cytogenetic location: 16p13.3.
Variant type: single nucleotide variant.
Coding change: c.553G>A on transcript NM_000243.3 (MANE Select); coding-DNA position 553, G replaced by A.
Protein change: p.Gly185Arg; replaces glycine 185 with arginine.
Molecular consequence: missense variant. On other transcripts: intron variant (1).
Genome position (GRCh38, 1-based): chr16:3,254,515, C>T on the plus strand (G>A on the coding strand, the complement: MEFV is on the minus strand). VCF-style: chr16-3254515-C-T. GRCh37 (hg19) VCF-style: chr16-3304515-C-T.
Other names: p.Gly185Arg; c.277+1796G>A (NM_001198536.2); short protein forms G185R.
Identifiers: ClinVar variation 569378 (VCV000569378.10), dbSNP rs1266566289, ClinGen allele CA394479613.